The following is an entry in ClinVar:

ClinVar aggregate classification (germline): Uncertain significance. Review status: criteria provided, multiple submitters, no conflicts (2 of 4 stars). 2 submissions from 2 submitters: Uncertain significance (2). Last evaluated 2025-01-14.

Conditions:
Inborn genetic diseases. Identifiers: MedGen C0950123, MeSH D030342.

gnomAD v4.1: 2 of 1,613,868 alleles (0.00012%); highest among the groups gnomAD compares: South Asian, 0.0011%; no homozygotes.

Submissions (2):

Dasa
Classification: Uncertain significance. Last evaluated: 2025-01-14. Review status: criteria provided, single submitter. Criteria: DASA Assertion Criteria. Collection method: clinical testing. Allele origin: germline.
Comment: NM_032119.4(ADGRV1):c.6088A>G (p.Asn2030Asp) is a missense variant that results in the substitution of asparagine with aspartic acid. This variant is rare in population databases. Computational prediction algorithms are consistent with a benign effect. The currently available literature and clinical evidence are not sufficient to establish a definitive association between this variant and the reported condition. Therefore, this variant is classified as a variant of uncertain significance.

Ambry Genetics
Classification: Uncertain significance for Inborn genetic diseases. Last evaluated: 2023-08-10. Review status: criteria provided, single submitter. Criteria: Ambry Variant Classification Scheme 2023. Collection method: clinical testing. Allele origin: germline.

NM_032119.4(ADGRV1):c.6088A>G (p.Asn2030Asp)

Gene: ADGRV1 (adhesion G protein-coupled receptor V1; plus strand). Cytogenetic location: 5q14.3.
Variant type: single nucleotide variant.
Coding change: c.6088A>G on transcript NM_032119.4 (MANE Select); coding-DNA position 6088, A replaced by G.
Protein change: p.Asn2030Asp; replaces asparagine 2030 with aspartic acid.
Molecular consequence: missense variant. On other transcripts: non-coding transcript variant (1).
Genome position (GRCh38, 1-based): chr5:90,684,009, A>G. VCF-style: chr5-90684009-A-G. GRCh37 (hg19) VCF-style: chr5-89979826-A-G.
Other names: short protein forms N2030D.
Identifiers: ClinVar variation 2617735 (VCV002617735.4), dbSNP rs756684132, ClinGen allele CA360414103.
Genomic context (GRCh38, chr5:90,684,009, plus strand): 5'-AAAGTCCTTGTCTCATATGCAACACTAGATGATATGGAAAAACCACCTTATTTTCCACCT[A>G]ATTTAGCGAGAGCAACTCAAGGAAGAGACTATATACCAGCTTCTGGATTTGCTCTTTTTG-3'
Protein context (NP_115495.3, residues 2020-2040): DMEKPPYFPP[Asn2030Asp]LARATQGRDY